The following is an entry in ClinVar:

NM_006346.4(PIBF1):c.788A>G (p.Asn263Ser)

Gene: PIBF1 (progesterone immunomodulatory binding factor 1; plus strand). Cytogenetic location: 13q22.1.
Variant type: single nucleotide variant.
Coding change: c.788A>G on transcript NM_006346.4 (MANE Select); coding-DNA position 788, A replaced by G.
Protein change: p.Asn263Ser; replaces asparagine 263 with serine.
Molecular consequence: missense variant. On other transcripts: non-coding transcript variant (2).
Genome position (GRCh38, 1-based): chr13:72,821,964, A>G. VCF-style: chr13-72821964-A-G. GRCh37 (hg19) VCF-style: chr13-73396102-A-G.
Other names: c.788A>G, p.Asn263Ser (NM_001349655.2); c.788A>G (NM_006346.2); short protein forms N263S.
Identifiers: ClinVar variation 1602139 (VCV001602139.10), dbSNP rs199982144, ClinGen allele CA7002046.

ClinVar aggregate classification (germline): Benign. Review status: criteria provided, single submitter (1 of 4 stars). 2 submissions from 2 submitters: Benign (1). 1 of the submissions does not count toward it. Last evaluated 2026-01-08.

Conditions:
PIBF1-related disorder. Also called: PIBF1-related condition.

Allele frequency attached by ClinVar (database versions not stated): ESP Exome Variant Server 0.00008; gnomAD 0.00024 and 0.00021; gnomAD exomes 0.00100 and 0.00026; TOPMed 0.00038; ExAC 0.00080.
gnomAD v4.1: 402 of 1,611,872 alleles (0.025%); highest among the groups gnomAD compares: Admixed American, 0.42%; 2 homozygotes.

Submissions (2):

Labcorp Genetics (formerly Invitae), Labcorp
Classification: Benign. Last evaluated: 2026-01-08. Review status: criteria provided, single submitter. Criteria: Invitae Variant Classification Sherloc (09022015). Collection method: clinical testing. Allele origin: germline.

PreventionGenetics, part of Exact Sciences
Classification: Likely benign for PIBF1-related condition. Last evaluated: 2020-02-11. Review status: no assertion criteria provided. Collection method: clinical testing. Allele origin: germline. Not counted in ClinVar's aggregate classification.
Comment: This variant is classified as likely benign based on ACMG/AMP sequence variant interpretation guidelines (Richards et al. 2015 PMID: 25741868, with internal and published modifications).